The following is an entry in ClinVar:

NM_001042517.2(DIAPH3):c.909-4A>G

Gene: DIAPH3 (diaphanous related formin 3; minus strand). Cytogenetic location: 13q21.2.
Variant type: single nucleotide variant.
Coding change: c.909-4A>G on transcript NM_001042517.2 (MANE Select); 4 bases into the intron before coding-DNA position 909, A replaced by G.
Molecular consequence: intron variant.
Genome position (GRCh38, 1-based): chr13:60,008,653, T>C on the plus strand (A>G on the coding strand, the complement: DIAPH3 is on the minus strand). VCF-style: chr13-60008653-T-C. GRCh37 (hg19) VCF-style: chr13-60582787-T-C.
Other names: c.699-4A>G (NM_001258368.2); c.771-4A>G (NM_001258367.2); c.876-4A>G (NM_001258366.2); c.909-4A>G (NM_001258369.2); c.120-4A>G (NM_030932.4, NM_001258370.2).
Identifiers: ClinVar variation 4985836 (VCV004985836.1).
Genomic context (GRCh38, chr13:60,008,653, plus strand): 5'-CTGTCAATTTTTTTTTCTTCACCAGCTGAAGTTAAAGCTTCTAAAACTTCTTCAAGGCTA[T>C]TGGAAAATTTGAGTCAATTAAATTGCAAGTAGCAAACACAAATGCCATAATACAATTGCT-3'

ClinVar aggregate classification (germline): Uncertain significance (1 of 4 stars; one submission).

Conditions:
DIAPH3-related disorder. Also called: DIAPH3-related condition.

gnomAD v4.1: 52 of 1,592,248 alleles (0.0033%); highest among the groups gnomAD compares: Non-Finnish European, 0.0042%; no homozygotes.

Submission:

PreventionGenetics, part of Exact Sciences
Classification: Uncertain significance for DIAPH3-related condition. Last evaluated: 2026-03-09. Review status: criteria provided, single submitter. Criteria: ACMG Guidelines, 2015. Collection method: clinical testing. Allele origin: germline.
Comment: The DIAPH3 c.909-4A>G variant is predicted to interfere with splicing. This variant is predicted to impact splicing based on available splicing prediction programs (SpliceAI, Jaganathan et al. 2019. PubMed ID: 30661751). To our knowledge, this variant has not been reported in the literature. This variant is reported in 0.0058% of alleles in individuals of Latino descent in gnomAD. At this time, the clinical significance of this variant is uncertain due to the absence of conclusive functional and genetic evidence.